The following is an entry in ClinVar:

ClinVar aggregate classification (germline): Uncertain significance (1 of 4 stars; one submission).

Allele frequency attached by ClinVar (database versions not stated): gnomAD exomes below 0.00001; TOPMed 0.00004; gnomAD 0.00003.
gnomAD v4.1: 10 of 1,613,554 alleles (0.00062%); highest among the groups gnomAD compares: African/African-American, 0.008%; no homozygotes.

Submission:

Labcorp Genetics (formerly Invitae), Labcorp
Classification: Uncertain significance. Last evaluated: 2025-07-06. Review status: criteria provided, single submitter. Criteria: Invitae Variant Classification Sherloc (09022015). Collection method: clinical testing. Allele origin: germline.
Comment: This sequence change replaces serine, which is neutral and polar, with asparagine, which is neutral and polar, at codon 996 of the ITGAM protein (p.Ser996Asn). This variant is not present in population databases (gnomAD no frequency). This variant has not been reported in the literature in individuals affected with ITGAM-related conditions. ClinVar contains an entry for this variant (Variation ID: 2979679). An algorithm developed to predict the effect of missense changes on protein structure and function outputs the following: PolyPhen-2: "Benign". The asparagine amino acid residue is found in multiple mammalian species, which suggests that this missense change does not adversely affect protein function. In summary, the available evidence is currently insufficient to determine the role of this variant in disease. Therefore, it has been classified as a Variant of Uncertain Significance.

NM_000632.4(ITGAM):c.2987G>A (p.Ser996Asn)

Gene: ITGAM (integrin subunit alpha M; plus strand). Cytogenetic location: 16p11.2.
Variant type: single nucleotide variant.
Coding change: c.2987G>A on transcript NM_000632.4 (MANE Select); coding-DNA position 2987, G replaced by A.
Protein change: p.Ser996Asn; replaces serine 996 with asparagine.
Molecular consequence: missense variant.
Genome position (GRCh38, 1-based): chr16:31,330,091, G>A. VCF-style: chr16-31330091-G-A. GRCh37 (hg19) VCF-style: chr16-31341412-G-A.
Other names: c.2990G>A, p.Ser997Asn (NM_001145808.2); short protein forms S996N, S997N.
Identifiers: ClinVar variation 2979679 (VCV002979679.3), dbSNP rs1000665783, ClinGen allele CA280627191.